The following is an entry in ClinVar:

ClinVar aggregate classification (germline): Conflicting classifications of pathogenicity. Review status: criteria provided, conflicting classifications (1 of 4 stars). 6 submissions from 6 submitters: Uncertain significance (1); Benign (2); Likely benign (3). Last evaluated 2026-01-27.

Conditions:
Ehlers-Danlos syndrome, classic type, 1 (EDSCL1). Also called: Ehlers-Danlos Syndrome, Classic Type, COL5A1-Related; EHLERS-DANLOS SYNDROME, GRAVIS TYPE; EHLERS-DANLOS SYNDROME, SEVERE CLASSIC TYPE; Ehlers-Danlos syndrome, type 1; EDS I. Identifiers: MedGen C0268335, MONDO:0019567, OMIM 130000.
Familial thoracic aortic aneurysm and aortic dissection (TAAD). Also called: Thoracic aortic aneurysms and dissections. Identifiers: Orphanet 91387, MedGen C4707243, MONDO:0019625.

Allele frequency attached by ClinVar (database versions not stated): gnomAD exomes 0.00005 and 0.00019; TOPMed 0.00009; gnomAD 0.00011 and 0.00012; ESP Exome Variant Server 0.00015; 1000 Genomes Project 30x 0.00016; ExAC 0.00016; 1000 Genomes Project 0.00020.
gnomAD v4.1: 86 of 1,612,598 alleles (0.0053%); highest among the groups gnomAD compares: Admixed American, 0.072%; no homozygotes.

Submissions (6):

Labcorp Genetics (formerly Invitae), Labcorp
Classification: Benign for Ehlers-Danlos syndrome, classic type, 1. Last evaluated: 2026-01-27. Review status: criteria provided, single submitter. Criteria: Invitae Variant Classification Sherloc (09022015). Collection method: clinical testing. Allele origin: germline.

Molecular Diagnostic Laboratory for Inherited Cardiovascular Disease, Montreal Heart Institute
Classification: Likely benign. Last evaluated: 2025-04-09. Review status: criteria provided, single submitter. Criteria: ACMG Guidelines, 2015. Collection method: clinical testing. Allele origin: germline. Affected: no.
Comment: BP6;BP7

Women's Health and Genetics/Laboratory Corporation of America, LabCorp
Classification: Benign. Last evaluated: 2023-07-21. Review status: criteria provided, single submitter. Criteria: LabCorp Variant Classification Summary - May 2015. Collection method: clinical testing. Allele origin: germline.

Blueprint Genetics
Classification: Likely benign. Last evaluated: 2023-01-16. Review status: criteria provided, single submitter. Criteria: ACMG Guidelines, 2015. Collection method: clinical testing. Allele origin: germline.

Ambry Genetics
Classification: Likely benign for Familial thoracic aortic aneurysm and aortic dissection. Last evaluated: 2022-04-29. Review status: criteria provided, single submitter. Criteria: Ambry Variant Classification Scheme 2023. Collection method: clinical testing. Allele origin: germline.

GeneDx
Classification: Uncertain significance. Last evaluated: 2021-06-25. Review status: criteria provided, single submitter. Criteria: GeneDx Variant Classification Process June 2021. Collection method: clinical testing. Allele origin: germline. Affected: yes.
Comment: Has not been previously published as pathogenic or benign to our knowledge; In silico analysis suggests this variant may impact gene splicing. In the absence of RNA/functional studies, the actual effect of this sequence change is unknown.; Reported in ClinVar (ClinVar Variant ID# 519622; Landrum et al., 2016); This variant is associated with the following publications: (PMID: 27535533)

NM_000093.5(COL5A1):c.3594C>T (p.Gly1198=)

Gene: COL5A1 (collagen type V alpha 1 chain; plus strand). Cytogenetic location: 9q34.3.
Variant type: single nucleotide variant.
Coding change: c.3594C>T on transcript NM_000093.5 (MANE Select); coding-DNA position 3594, C replaced by T.
Protein change: p.Gly1198=; no amino-acid change (glycine 1198 retained).
Molecular consequence: synonymous variant.
Genome position (GRCh38, 1-based): chr9:134,811,503, C>T. VCF-style: chr9-134811503-C-T. GRCh37 (hg19) VCF-style: chr9-137703349-C-T.
Other names: c.3594C>T, p.Gly1198= (NM_001278074.1).
Identifiers: ClinVar variation 519622 (VCV000519622.21), dbSNP rs146176718, ClinGen allele CA5319966.
Genomic context (GRCh38, chr9:134,811,503, plus strand): 5'-CTGCTGGCATTGCCAGCATCCTCACCCATGGCCGGTTATTTCCCTGCAGGGAGCTGACGG[C>T]GAGCCGGGGCCTCGGGGCCAGCAGGGCCTTTTCGGGCAGAAAGGTGATGAAGGTCCCAGA-3'
Protein context (NP_000084.3, residues 1188-1208): IGQPGPSGAD[Gly1198=]EPGPRGQQGL